The following is an entry in ClinVar:

NM_000492.4(CFTR):c.1684G>A (p.Val562Ile)

Gene: CFTR (CF transmembrane conductance regulator; plus strand). Cytogenetic location: 7q31.2.
Variant type: single nucleotide variant.
Coding change: c.1684G>A on transcript NM_000492.4 (MANE Select); coding-DNA position 1684, G replaced by A.
Protein change: p.Val562Ile; replaces valine 562 with isoleucine.
Molecular consequence: missense variant.
Genome position (GRCh38, 1-based): chr7:117,590,357, G>A. VCF-style: chr7-117590357-G-A. GRCh37 (hg19) VCF-style: chr7-117230411-G-A.
Other names: NM_000492.3(CFTR):c.1684G>A(p.Val562Ile); short protein forms V562I.
Identifiers: ClinVar variation 35830 (VCV000035830.51), dbSNP rs1800097, ClinGen allele CA240027.

ClinVar aggregate classification (germline): Conflicting classifications of pathogenicity. Review status: criteria provided, conflicting classifications (1 of 4 stars). 16 submissions from 16 submitters: Uncertain significance (10); Likely benign (6). Last evaluated 2026-06-17.

Conditions:
CFTR-related disorder (CFTR-RD). Also called: CFTR-related condition; CFTR-related disorders. Identifiers: MedGen C5924204, MONDO:7770004.
Hereditary pancreatitis (PCTT). Also called: PRSS1-Related Hereditary Pancreatitis; Hereditary chronic pancreatitis. Identifiers: Orphanet 676, MedGen C0238339, MONDO:0008185, OMIM 167800.
Cystic fibrosis (CF). Also called: MUCOVISCIDOSIS. Identifiers: Orphanet 586, MedGen C0010674, MONDO:0009061, OMIM 219700. Disease mechanism: loss of function.

Allele frequency attached by ClinVar (database versions not stated): 1000 Genomes Project 30x 0.00016; 1000 Genomes Project 0.00020; TOPMed 0.00029.
gnomAD v4.1: 269 of 1,602,534 alleles (0.017%); highest among the groups gnomAD compares: Middle Eastern, 0.1%; no homozygotes.

Submissions 1 to 12 of 16:

Women's Health and Genetics/Laboratory Corporation of America, LabCorp
Classification: Likely benign. Last evaluated: 2026-06-17. Review status: criteria provided, single submitter. Criteria: LabCorp Variant Classification Summary - May 2015. Collection method: clinical testing. Allele origin: germline.
Comment: Variant summary: CFTR c.1684G>A (p.Val562Ile) results in a conservative amino acid change located in the ABC transporter-like domain (IPR003439) of the encoded protein sequence. Algorithms developed to predict the effect of missense changes on protein structure and function are either unavailable or do not agree on the potential impact of this missense change. The variant allele was found at a frequency of 0.00014 in 250586 control chromosomes. This frequency is not significantly higher than estimated for disease-causing variants in CFTR, allowing no conclusion about variant significance. c.1684G>A has been observed in individuals affected with individuals affected with a wide spectrum of phenotypes ranging from asymptomatic to CF, CBAVD, infertility, diffuse bronchiectasis and idiopathic chronic pancreatitis, many of whom were not uniformly analyzed and had non-informative genotypes (Braekeleer_1996, Peuchal_1999, Telleria_1999, Grangeia_2004, Cohn_2005, Claustres_2017, Lucarelli_2017). These data do not allow any conclusion about variant significance. In addition, several publications have reported this variant in cis as c.[1210-34_1210-6TG[11]T[5];1684G>A] (TG11T5, T5, A1006E) in combination with another pathogenic variant in trans that could have explained some of the reported phenotypes (McGinniss_2005, Alonso_2007, Ratbi_2007, Lucarelli_2015, Sofia_2018). Of note, at-least one patient homozygous for 2347delG with this variant in cis on both his alleles has been reported in an unpublished study (Giordan et al) (cited by Ratbi_2007). Similarly, at-least 2 unaffected individuals with this variant and p.F508del in trans have been reported as a personal communication with C. Barreto (cited by Roxo-Rosa_2006). Recently, this variant genotype (c.[1210-34_1210-6TG[11]T[5];1684G>A]) was reported with a hemizygous causative highly penetrant truncation variant in the X-linked ADGRG2 gene (c.251C>G, p.Ser84*) in a patient with CBAVD, bilateral epididymis enlargement, azoospermia and hypovolemia (Pagin_2020). The authors concluded that the presence of the CFTR variant in this patient may be incidental and that the loss of function variant in ADGRG2 is sufficient to produce the CAVD phenotype. These reports provide additional supporting evidence that the variant of interest was not causative of disease in these patients. Three independent functional studies report no effects on either of CFTR trafficking, the maturation process, channel activity or mRNA expression levels (Roxo-Rosa_2006, Fresquet_2011, Raraigh_2018). The CFTR2 database also reports that this variant is not causative of CF when combined with another CF-causing variant. The following publications have been ascertained in the context of this evaluation (PMID: 17331079, 9239681, 10923036, 28603918, 15758663, 1379210, 21708286, 18716917, 15333598, 17572159, 28736296, 25910067, 16189704, 31845523, 20651897, 10445602, 29805046, 17329263, 17098864, 31674704, 30134826, 10447267, 20691141, 19812525). ClinVar contains an entry for this variant (Variation ID: 35830). Based on the evidence outlined above, the variant was classified as likely benign.

PreventionGenetics, part of Exact Sciences
Classification: Uncertain significance for CFTR-related condition. Last evaluated: 2026-06-10. Review status: criteria provided, single submitter. Criteria: ACMG Guidelines, 2015. Collection method: clinical testing. Allele origin: germline.
Comment: The CFTR c.1684G>A variant is predicted to result in the amino acid substitution p.Val562Ile. However, there was no further evidence that the p.Val562Ile variant was actually causative in this case. A later study reported cellular and genetic evidence that the p.Val562Ile variant may be benign (Roxo-Rosa et al. 2006. PubMed ID: 17098864). This variant is reported in 0.031% of alleles in individuals of Latino descent in gnomAD. In ClinVar, this variant has conflicting interpretations ranging from uncertain to likely benign. While we suspect this variant may be benign, at this time, the clinical significance of this variant is uncertain due to the absence of conclusive functional and genetic evidence.

Labcorp Genetics (formerly Invitae), Labcorp
Classification: Uncertain significance for Cystic fibrosis. Last evaluated: 2026-02-01. Review status: criteria provided, single submitter. Criteria: Invitae Variant Classification Sherloc (09022015). Collection method: clinical testing. Allele origin: germline.
Comment: This sequence change replaces valine, which is neutral and non-polar, with isoleucine, which is neutral and non-polar, at codon 562 of the CFTR protein (p.Val562Ile). This variant is present in population databases (rs1800097, gnomAD 0.03%). This missense change has been observed in individual(s) with CFTR-related disorders including congenital absence of the vas deferens, oligospermia, chronic pancreatitis, and cystic fibrosis (PMID: 1379210, 9239681, 16189704, 17329263, 17331079, 19810821, 20021716, 20691141, 21520337, 23951356, 25667564, 25910067). This variant is also known as 1816G>A. ClinVar contains an entry for this variant (Variation ID: 35830). Invitae Evidence Modeling of protein sequence and biophysical properties (such as structural, functional, and spatial information, amino acid conservation, physicochemical variation, residue mobility, and thermodynamic stability) indicates that this missense variant is not expected to disrupt CFTR protein function with a negative predictive value of 80%. Experimental studies have shown that this missense change does not substantially affect CFTR function (PMID: 17098864, 21708286). In summary, the available evidence is currently insufficient to determine the role of this variant in disease. Therefore, it has been classified as a Variant of Uncertain Significance.

ARUP Laboratories, Molecular Genetics and Genomics, ARUP Laboratories
Classification: Likely benign. Last evaluated: 2025-05-15. Review status: criteria provided, single submitter. Criteria: ARUP Molecular Germline Variant Investigation Process 2024. Collection method: clinical testing. Allele origin: germline.

GeneDx
Classification: Uncertain significance. Last evaluated: 2025-04-21. Review status: criteria provided, single submitter. Criteria: GeneDx Variant Classification Process June 2021. Collection method: clinical testing. Allele origin: germline. Affected: yes.
Comment: In silico analysis indicates that this missense variant does not alter protein structure/function; This variant is associated with the following publications: (PMID: 21520337, 20021716, 10447267, 20691141, 31674704, 25667564, 10923036, 20651897, 25910067, 17098864, 10445602, 15758663, 31845523, 32819855, 15333598, 23810505, 30134826, 23082198, 34782259, 21708286, 17572159, 18716917, 19812525, 24586523, 28603918, 28736296, 17329263, 29805046, 34996830, 1379210, 16189704, 23951356, 19810821, 17331079, 9239681, 21858268)

Mendelics
Classification: Likely benign for Cystic fibrosis. Last evaluated: 2025-03-19. Review status: criteria provided, single submitter. Criteria: Mendelics Assertion Criteria 2017. Collection method: clinical testing. Allele origin: unknown. Affected: yes.
Comment: Variant NM_000492.4(CFTR):c.1684G>A (p.Val562Ile) is found frequent in Mendelics internal database. GnomAD frequency 0.0001679 with no Homozygotes. In Silico Predictors: Benign

Blueprint Genetics
Classification: Likely benign. Last evaluated: 2024-11-06. Review status: criteria provided, single submitter. Criteria: ACMG Guidelines, 2015. Collection method: clinical testing. Allele origin: germline.

Genomic Medicine Center of Excellence, King Faisal Specialist Hospital and Research Centre
Classification: Uncertain significance for Cystic fibrosis. Last evaluated: 2024-04-04. Review status: criteria provided, single submitter. Criteria: ACMG Guidelines, 2015. Collection method: clinical testing. Allele origin: germline.

Johns Hopkins Genomics, Johns Hopkins University
Classification: Likely benign for Cystic fibrosis. Last evaluated: 2023-12-20. Review status: criteria provided, single submitter. Criteria: ACMG Guidelines, 2015. Collection method: clinical testing. Allele origin: germline.

Ambry Genetics
Classification: Likely benign for Cystic fibrosis. Last evaluated: 2022-06-08. Review status: criteria provided, single submitter. Criteria: Ambry Variant Classification Scheme 2023. Collection method: clinical testing. Allele origin: germline.

Mayo Clinic Laboratories, Mayo Clinic
Classification: Uncertain significance. Last evaluated: 2022-01-31. Review status: criteria provided, single submitter. Criteria: ACMG Guidelines, 2015. Collection method: clinical testing. Allele origin: germline. Observed: 2 variant alleles.

Genome-Nilou Lab
Classification: Uncertain significance for Cystic fibrosis. Last evaluated: 2021-07-22. Review status: criteria provided, single submitter. Criteria: ACMG Guidelines, 2015. Collection method: clinical testing. Allele origin: germline. Affected: no.